The following is an entry in ClinVar:

ClinVar aggregate classification (germline): Uncertain significance (1 of 4 stars; one submission).

Conditions:
MELAS syndrome (MELAS). Also called: Juvenile myopathy, encephalopathy, lactic acidosis, stroke. Identifiers: Orphanet 550, MedGen C0162671, MONDO:0010789, OMIM 540000.

Submission:

Wong Mito Lab, Molecular and Human Genetics, Baylor College of Medicine
Classification: Uncertain significance for MELAS syndrome. Last evaluated: 2019-07-12. Review status: criteria provided, single submitter. Criteria: Modified ACMG Guidelines (Unpublished). Collection method: clinical testing. Allele origin: germline.
Comment: The NC_012920.1:m.10048A>G variant in MT-TG gene is interpreted to be a Unknown Significance variant based on the modified ACMG guidelines (unpublished). This variant meets the following evidence codes reported in the guidelines: BP6, PP7

Literature cited by the submitters: PubMed 31965079.

NC_012920.1(MT-TG):m.10048A>G

Gene: MT-TG (mitochondrially encoded tRNA glycine; plus strand).
Variant type: single nucleotide variant.
Genome position: chrM-10048-A-G.
Identifiers: ClinVar variation 690109 (VCV000690109.1), dbSNP rs878957961, ClinGen allele CA337098681.